The following is an entry in ClinVar:

NM_007294.4(BRCA1):c.5278-8T>C

Gene: BRCA1 (BRCA1 DNA repair associated; minus strand). Cytogenetic location: 17q21.31.
Variant type: single nucleotide variant.
Coding change: c.5278-8T>C on transcript NM_007294.4 (MANE Select); 8 bases into the intron before coding-DNA position 5278, T replaced by C.
Molecular consequence: intron variant.
Genome position (GRCh38, 1-based): chr17:43,051,125, A>G on the plus strand (T>C on the coding strand, the complement: BRCA1 is on the minus strand). VCF-style: chr17-43051125-A-G. GRCh37 (hg19) VCF-style: chr17-41203142-A-G.
Other names: c.1825-8T>C (NM_001408458.1, NM_001408461.1, NM_001408464.1 and 7 more transcripts); c.4387-8T>C (NM_001407967.1); c.4897-8T>C (NM_001407959.1); c.5011-8T>C (NM_001407931.1, NM_001407932.1, NM_001407928.1 and 4 more transcripts); c.5134-8T>C (NM_001407747.1, NM_001407745.1, NM_001407737.1 and 21 more transcripts); c.4894-8T>C (NM_001407962.1, NM_001407960.1); c.1465-8T>C (NM_001408512.1); c.1588-8T>C (NM_001408510.1); and 74 more.
Identifiers: ClinVar variation 865259 (VCV000865259.3), dbSNP rs2051216541, ClinGen allele CA916081063.
Genomic context (GRCh38, chr17:43,051,125, plus strand): 5'-GTGGGCATGTTGGTGAAGGGCCCATAGCAACAGATTTCTAGCCCCCTGAAGATCTGGAAG[A>G]AGAGAGGAAGAGAGAGGGACAGGGGAATGGAGAGAAGGAAAATCTAGTTATAAAAGAATA-3'

Conditions:
Breast-ovarian cancer, familial, susceptibility to, 1 (BROVCA1). Also called: BRCA1 Hereditary Breast and Ovarian Cancer; OVARIAN CANCER, SUSCEPTIBILITY TO. Identifiers: Orphanet 145, MedGen C2676676, MONDO:0011450, OMIM 604370. Disease mechanism: loss of function.

Submission:

Brotman Baty Institute, University of Washington
No classification provided (evidence only). Condition: Breast-ovarian cancer, familial 1. Review status: no classification provided. Collection method: in vitro. Allele origin: not applicable. Functional consequence: functionally_normal.
ClinVar note: "not provided" was previously submitted as the classification for the variant. However, the classification appeared to be based only on an observation of functional data so it was converted to no classification on 2025-07-30.